The following is an entry in ClinVar:

ClinVar aggregate classification (germline): Benign/Likely benign. Review status: criteria provided, multiple submitters, no conflicts (2 of 4 stars). 3 submissions from 3 submitters: Benign (1); Likely benign (2). Last evaluated 2025-07-30.

Conditions:
Hereditary cancer-predisposing syndrome. Also called: Neoplastic Syndromes, Hereditary; Tumor predisposition; Hereditary Cancer Syndrome; Hereditary neoplastic syndrome. Identifiers: Orphanet 140162, MedGen C0027672, MeSH D009386, MONDO:0015356.
Hereditary nonpolyposis colorectal neoplasms. Identifiers: MedGen C0009405, MeSH D003123.
Lynch syndrome 4 (LYNCH4). Also called: Hereditary non-polyposis colorectal cancer, type 4; Colorectal cancer, hereditary nonpolyposis, type 4. Identifiers: Orphanet 144, MedGen C1838333, MONDO:0013699, OMIM 614337. Disease mechanism: loss of function.

Allele frequency attached by ClinVar (database versions not stated): gnomAD exomes below 0.00001.
gnomAD v4.1: 2 of 1,614,078 alleles (0.00012%); highest among the groups gnomAD compares: Non-Finnish European, 0.00017%; no homozygotes.

Submissions (3):

Labcorp Genetics (formerly Invitae), Labcorp
Classification: Likely benign for Hereditary nonpolyposis colorectal neoplasms. Last evaluated: 2025-07-30. Review status: criteria provided, single submitter. Criteria: Invitae Variant Classification Sherloc (09022015). Collection method: clinical testing. Allele origin: germline.

Myriad Genetics, Inc.
Classification: Benign for Lynch syndrome 4. Last evaluated: 2025-01-27. Review status: criteria provided, single submitter. Criteria: Myriad Autosomal Dominant, Autosomal Recessive and X-Linked Classification Criteria (2023). Collection method: clinical testing. Allele origin: unknown.
Comment: This variant is considered benign. This variant is a silent/synonymous amino acid change and it is not expected to impact splicing.

Ambry Genetics
Classification: Likely benign for Hereditary cancer-predisposing syndrome. Last evaluated: 2019-12-05. Review status: criteria provided, single submitter. Criteria: Ambry Variant Classification Scheme 2023. Collection method: clinical testing. Allele origin: germline.

NM_000535.7(PMS2):c.696G>A (p.Gly232=)

Gene: PMS2 (PMS1 homolog 2, mismatch repair system component; minus strand). Cytogenetic location: 7p22.1.
Variant type: single nucleotide variant.
Coding change: c.696G>A on transcript NM_000535.7 (MANE Select); coding-DNA position 696, G replaced by A.
Protein change: p.Gly232=; no amino-acid change (glycine 232 retained).
Molecular consequence: synonymous variant. On other transcripts: non-coding transcript variant (1), intron variant (9), 5 prime UTR variant (2).
Genome position (GRCh38, 1-based): chr7:5,999,117, C>T on the plus strand (G>A on the coding strand, the complement: PMS2 is on the minus strand). VCF-style: chr7-5999117-C-T. GRCh37 (hg19) VCF-style: chr7-6038748-C-T.
Other names: c.291G>A, p.Gly97= (NM_001406910.1, NM_001018040.1, NM_001322003.2 and 20 more transcripts); c.696G>A, p.Gly232= (NM_001406912.1, NM_001322006.2, NM_001322014.2 and 4 more transcripts); c.132+3336G>A (NM_001406911.1); c.192+99G>A (NM_001406904.1, NM_001406905.1); c.133-1694G>A (NM_001322013.2, NM_001406909.1); c.537+3336G>A (NM_001406886.1); c.538-1694G>A (NM_001406884.1, NM_001406874.1); c.597+99G>A (NM_001406869.1); and 6 more.
Identifiers: ClinVar variation 1756376 (VCV001756376.8), dbSNP rs1358310474, ClinGen allele CA453646753.